The following is an entry in ClinVar:

NM_001370.2(DNAH6):c.421G>A (p.Val141Met)

Gene: DNAH6 (dynein axonemal heavy chain 6; plus strand). Cytogenetic location: 2p11.2.
Variant type: single nucleotide variant.
Coding change: c.421G>A on transcript NM_001370.2 (MANE Select); coding-DNA position 421, G replaced by A.
Protein change: p.Val141Met; replaces valine 141 with methionine.
Molecular consequence: missense variant.
Genome position (GRCh38, 1-based): chr2:84,528,925, G>A. VCF-style: chr2-84528925-G-A. GRCh37 (hg19) VCF-style: chr2-84756049-G-A.
Other names: short protein forms V141M.
Identifiers: ClinVar variation 402731 (VCV000402731.8), dbSNP rs4832089, ClinGen allele CA1736519.

ClinVar aggregate classification (germline): Benign. Review status: criteria provided, multiple submitters, no conflicts (2 of 4 stars). 3 submissions from 3 submitters: Benign (3). Last evaluated 2019-04-17.

Allele frequency attached by ClinVar (database versions not stated): ESP Exome Variant Server 0.92357; gnomAD 0.93059 and 0.93313; TOPMed 0.93181; 1000 Genomes Project 30x 0.94097; 1000 Genomes Project 0.94469; gnomAD exomes 0.94790 and 0.95591; ExAC 0.94875.
gnomAD v4.1: 1,466,397 of 1,549,342 alleles (95%); highest among the groups gnomAD compares: East Asian, 100%; 694,396 homozygotes.

Submissions (3):

GeneDx
Classification: Benign. Last evaluated: 2019-04-17. Review status: criteria provided, single submitter. Criteria: GeneDx Variant Classification Process June 2021. Collection method: clinical testing. Allele origin: germline. Affected: yes.

Laboratory for Molecular Medicine, Mass General Brigham Personalized Medicine
Classification: Benign. Last evaluated: 2016-03-28. Review status: criteria provided, single submitter. Criteria: LMM Criteria. Collection method: clinical testing. Allele origin: germline.
Comment: Variant identified in a genome or exome case(s) and assessed due to predicted null impact of the variant or pathogenic assertions in the literature or databases. Disclaimer: This variant has not undergone full assessment. The following are preliminary notes: Frequency

Breakthrough Genomics
Classification: Benign. Review status: criteria provided, single submitter. Criteria: ACMG Guidelines, 2015. Collection method: not provided. Allele origin: germline. Inheritance: Unknown mechanism. Affected: yes.